The following is an entry in ClinVar:

NM_003632.3(CNTNAP1):c.1991A>G (p.Asn664Ser)

Gene: CNTNAP1 (contactin associated protein 1; plus strand). Cytogenetic location: 17q21.2.
Variant type: single nucleotide variant.
Coding change: c.1991A>G on transcript NM_003632.3 (MANE Select); coding-DNA position 1991, A replaced by G.
Protein change: p.Asn664Ser; replaces asparagine 664 with serine.
Molecular consequence: missense variant.
Genome position (GRCh38, 1-based): chr17:42,690,874, A>G. VCF-style: chr17-42690874-A-G. GRCh37 (hg19) VCF-style: chr17-40842892-A-G.
Other names: short protein forms N664S.
Identifiers: ClinVar variation 1314333 (VCV001314333.4), dbSNP rs751402794, ClinGen allele CA290794920.

ClinVar aggregate classification (germline): Uncertain significance. Review status: criteria provided, multiple submitters, no conflicts (2 of 4 stars). 2 submissions from 2 submitters: Uncertain significance (2). Last evaluated 2023-01-24.

Conditions:
Inborn genetic diseases. Identifiers: MedGen C0950123, MeSH D030342.

Allele frequency attached by ClinVar (database versions not stated): gnomAD 0.00001; TOPMed 0.00002.
gnomAD v4.1: 4 of 1,614,096 alleles (0.00025%); highest among the groups gnomAD compares: South Asian, 0.0011%; no homozygotes.

Submissions (2):

Ambry Genetics
Classification: Uncertain significance for Inborn genetic diseases. Last evaluated: 2023-01-24. Review status: criteria provided, single submitter. Criteria: Ambry Variant Classification Scheme 2023. Collection method: clinical testing. Allele origin: germline.

GeneDx
Classification: Uncertain significance. Last evaluated: 2021-03-29. Review status: criteria provided, single submitter. Criteria: GeneDx Variant Classification Process June 2021. Collection method: clinical testing. Allele origin: germline. Affected: yes.
Comment: Not observed at a significant frequency in large population cohorts (Lek et al., 2016); In silico analysis supports that this missense variant does not alter protein structure/function; Has not been previously published as pathogenic or benign to our knowledge